The following is an entry in ClinVar:

NM_003072.5(SMARCA4):c.1282A>G (p.Thr428Ala)

Gene: SMARCA4 (SWI/SNF related BAF chromatin remodeling complex subunit ATPase 4; plus strand). Cytogenetic location: 19p13.2.
Variant type: single nucleotide variant.
Coding change: c.1282A>G on transcript NM_003072.5 (MANE Select); coding-DNA position 1282, A replaced by G.
Protein change: p.Thr428Ala; replaces threonine 428 with alanine.
Molecular consequence: missense variant. On other transcripts: non-coding transcript variant (1).
Genome position (GRCh38, 1-based): chr19:10,991,186, A>G. VCF-style: chr19-10991186-A-G. GRCh37 (hg19) VCF-style: chr19-11101862-A-G.
Other names: c.1282A>G, p.Thr428Ala (NM_001128844.3, NM_001128845.2, NM_001128846.2 and 5 more transcripts); short protein forms T428A.
Identifiers: ClinVar variation 1386380 (VCV001386380.6), dbSNP rs2145878787, ClinGen allele CA404060591.

ClinVar aggregate classification (germline): Uncertain significance (1 of 4 stars; one submission).

Conditions:
Rhabdoid tumor predisposition syndrome 2 (RTPS2). Identifiers: Orphanet 231108, Orphanet 69077, MedGen C2750074, MONDO:0013224, OMIM 613325.

Submission:

Labcorp Genetics (formerly Invitae), Labcorp
Classification: Uncertain significance for Rhabdoid tumor predisposition syndrome 2. Last evaluated: 2021-11-17. Review status: criteria provided, single submitter. Criteria: Invitae Variant Classification Sherloc (09022015). Collection method: clinical testing. Allele origin: germline.
Comment: In summary, the available evidence is currently insufficient to determine the role of this variant in disease. Therefore, it has been classified as a Variant of Uncertain Significance. Algorithms developed to predict the effect of missense changes on protein structure and function are either unavailable or do not agree on the potential impact of this missense change (SIFT: "Deleterious"; PolyPhen-2: "Possibly Damaging"; Align-GVGD: "Class C0"). This variant has not been reported in the literature in individuals affected with SMARCA4-related conditions. This variant is not present in population databases (gnomAD no frequency). This sequence change replaces threonine, which is neutral and polar, with alanine, which is neutral and non-polar, at codon 428 of the SMARCA4 protein (p.Thr428Ala).